The following is an entry in ClinVar:

ClinVar aggregate classification (germline): Uncertain significance (1 of 4 stars; one submission).

Conditions:
Arrhythmogenic right ventricular dysplasia 8 (ARVD8). Also called: Arrhythmogenic Right Ventricular Dysplasia/Cardiomyopathy 8; ARRHYTHMOGENIC RIGHT VENTRICULAR DYSPLASIA, FAMILIAL, 8; ARRHYTHMOGENIC RIGHT VENTRICULAR CARDIOMYOPATHY 8. Identifiers: MedGen C1843896, MONDO:0011831, OMIM 607450.
Arrhythmogenic cardiomyopathy with wooly hair and keratoderma. Also called: Arrhythmogenic cardiomyopathy with woolly hair and keratoderma; PALMOPLANTAR KERATODERMA WITH LEFT VENTRICULAR CARDIOMYOPATHY AND WOOLLY HAIR; Dilated cardiomyopathy with woolly hair and keratoderma; Carvajal syndrome. Identifiers: Orphanet 65282, MedGen C1854063, MONDO:0011581, OMIM 605676.

Submission:

Labcorp Genetics (formerly Invitae), Labcorp
Classification: Uncertain significance for Arrhythmogenic cardiomyopathy with wooly hair and keratoderma; Arrhythmogenic right ventricular dysplasia 8. Last evaluated: 2019-04-05. Review status: criteria provided, single submitter. Criteria: Invitae Variant Classification Sherloc (09022015). Collection method: clinical testing. Allele origin: germline.
Comment: This variant is not present in population databases (ExAC no frequency). This sequence change replaces asparagine with aspartic acid at codon 257 of the DSP protein (p.Asn257Asp). The asparagine residue is moderately conserved and there is a small physicochemical difference between asparagine and aspartic acid. This variant has not been reported in the literature in individuals with DSP-related conditions. Algorithms developed to predict the effect of missense changes on protein structure and function (SIFT, PolyPhen-2, Align-GVGD) all suggest that this variant is likely to be tolerated, but these predictions have not been confirmed by published functional studies and their clinical significance is uncertain. In summary, the available evidence is currently insufficient to determine the role of this variant in disease. Therefore, it has been classified as a Variant of Uncertain Significance.

NM_004415.4(DSP):c.769A>G (p.Asn257Asp)

Gene: DSP (desmoplakin; plus strand). Cytogenetic location: 6p24.3.
Variant type: single nucleotide variant.
Coding change: c.769A>G on transcript NM_004415.4 (MANE Select); coding-DNA position 769, A replaced by G.
Protein change: p.Asn257Asp; replaces asparagine 257 with aspartic acid.
Molecular consequence: missense variant.
Genome position (GRCh38, 1-based): chr6:7,563,778, A>G. VCF-style: chr6-7563778-A-G. GRCh37 (hg19) VCF-style: chr6-7564011-A-G.
Other names: c.769A>G, p.Asn257Asp (NM_001008844.3, NM_001319034.2); short protein forms N257D.
Identifiers: ClinVar variation 855679 (VCV000855679.10), dbSNP rs1758773914, ClinGen allele CA362673749.